The following is an entry in ClinVar:

NM_000545.8(HNF1A):c.1448A>G (p.His483Arg)

Gene: HNF1A (HNF1 homeobox A; plus strand). Cytogenetic location: 12q24.31.
Variant type: single nucleotide variant.
Coding change: c.1448A>G on transcript NM_000545.8 (MANE Select); coding-DNA position 1448, A replaced by G.
Protein change: p.His483Arg; replaces histidine 483 with arginine.
Molecular consequence: missense variant.
Genome position (GRCh38, 1-based): chr12:120,997,612, A>G. VCF-style: chr12-120997612-A-G. GRCh37 (hg19) VCF-style: chr12-121435415-A-G.
Other names: c.1448A>G, p.His483Arg (NM_001306179.2); short protein forms H483R.
Identifiers: ClinVar variation 2153086 (VCV002153086.1), dbSNP rs1877178911, ClinGen allele CA386970274.

ClinVar aggregate classification (germline): Uncertain significance (1 of 4 stars; one submission).

Allele frequency attached by ClinVar (database versions not stated): gnomAD exomes below 0.00001.
gnomAD v4.1: 2 of 1,613,710 alleles (0.00012%); highest among the groups gnomAD compares: Non-Finnish European, 0.00017%; no homozygotes.

Submission:

Labcorp Genetics (formerly Invitae), Labcorp
Classification: Uncertain significance. Last evaluated: 2022-04-20. Review status: criteria provided, single submitter. Criteria: Invitae Variant Classification Sherloc (09022015). Collection method: clinical testing. Allele origin: germline.
Comment: This sequence change replaces histidine, which is basic and polar, with arginine, which is basic and polar, at codon 483 of the HNF1A protein (p.His483Arg). This variant is not present in population databases (gnomAD no frequency). This variant has not been reported in the literature in individuals affected with HNF1A-related conditions. Advanced modeling of protein sequence and biophysical properties (such as structural, functional, and spatial information, amino acid conservation, physicochemical variation, residue mobility, and thermodynamic stability) performed at Invitae indicates that this missense variant is expected to disrupt HNF1A protein function. In summary, the available evidence is currently insufficient to determine the role of this variant in disease. Therefore, it has been classified as a Variant of Uncertain Significance.